The following is an entry in ClinVar:

ClinVar aggregate classification (germline): Benign. Review status: criteria provided, multiple submitters, no conflicts (2 of 4 stars). 10 submissions from 9 submitters: Benign (8). 2 of the submissions do not count toward it. Last evaluated 2026-02-04.

Conditions:
Macular degeneration, early-onset (EOMD). Identifiers: MedGen C4015286, MONDO:0014501, OMIM 616118.
Congenital contractural arachnodactyly (CCA). Also called: Beals-Hecht syndrome; Arthrogryposis, distal, type 9; BEALS SYNDROME. Identifiers: Orphanet 115, MedGen C0220668, MONDO:0007363, OMIM 121050.

Allele frequency attached by ClinVar (database versions not stated): 1000 Genomes Project 30x 0.35634; 1000 Genomes Project 0.35763; TOPMed 0.42714; ESP Exome Variant Server 0.44356; gnomAD 0.45423 and 0.45640; ExAC 0.51842; gnomAD exomes 0.52350 and 0.55222.
gnomAD v4.1: 873,852 of 1,612,308 alleles (54%); highest among the groups gnomAD compares: Non-Finnish European, 57%; 247,531 homozygotes.

Submissions (10):

Labcorp Genetics (formerly Invitae), Labcorp
Classification: Benign for Congenital contractural arachnodactyly. Last evaluated: 2026-02-04. Review status: criteria provided, single submitter. Criteria: Invitae Variant Classification Sherloc (09022015). Collection method: clinical testing. Allele origin: germline.

ARUP Laboratories, Molecular Genetics and Genomics, ARUP Laboratories
Classification: Benign. Last evaluated: 2025-07-29. Review status: criteria provided, single submitter. Criteria: ARUP Molecular Germline Variant Investigation Process 2024. Collection method: clinical testing. Allele origin: germline.

Blueprint Genetics
Classification: Benign. Last evaluated: 2024-11-26. Review status: criteria provided, single submitter. Criteria: ACMG Guidelines, 2015. Collection method: clinical testing. Allele origin: germline.

Genome-Nilou Lab
Classification: Benign for Congenital contractural arachnodactyly. Last evaluated: 2021-08-10. Review status: criteria provided, single submitter. Criteria: ACMG Guidelines, 2015. Collection method: clinical testing. Allele origin: germline. Affected: no.

Genome-Nilou Lab
Classification: Benign for Macular degeneration, early-onset. Last evaluated: 2021-08-10. Review status: criteria provided, single submitter. Criteria: ACMG Guidelines, 2015. Collection method: clinical testing. Allele origin: germline. Affected: no.

Women's Health and Genetics/Laboratory Corporation of America, LabCorp
Classification: Benign. Last evaluated: 2017-03-22. Review status: criteria provided, single submitter. Criteria: LabCorp Variant Classification Summary - May 2015. Collection method: clinical testing. Allele origin: germline.
Comment: Variant summary: The FBN2 c.6880+17G>A variant involves the alteration of a non-conserved intronic nucleotide. One in silico tool predicts a benign outcome for this variant. 5/5 splice prediction tools predict no significant impact on normal splicing. However, these predictions have yet to be confirmed by functional studies. The variant of interest has been observed in a large, broad control population, ExAC, in 62933/121394 control chromosomes at a frequency of 0.5184194, which is approximately 414735 times the estimated maximal expected allele frequency of a pathogenic FBN2 variant (0.0000013), strong evidence that this variant is a benign polymorphism. In addition, multiple clinical diagnostic laboratories databases classified this variant as benign. Taken together, this variant is classified as benign.

GeneDx
Classification: Benign. Last evaluated: 2012-11-02. Review status: criteria provided, single submitter. Criteria: GeneDx Variant Classification (06012015). Collection method: clinical testing. Allele origin: germline. Affected: yes.
Comment: This variant is considered likely benign or benign based on one or more of the following criteria: it is a conservative change, it occurs at a poorly conserved position in the protein, it is predicted to be benign by multiple in silico algorithms, and/or has population frequency not consistent with disease.

PreventionGenetics, part of Exact Sciences
Classification: Benign. Review status: criteria provided, single submitter. Criteria: ACMG Guidelines, 2015. Collection method: clinical testing. Allele origin: germline.

Genome Diagnostics Laboratory, Amsterdam University Medical Center
Classification: Benign for Congenital contractural arachnodactyly. Last evaluated: 2014-02-04. Review status: no assertion criteria provided. Criteria: ACGS Guidelines, 2013. Collection method: clinical testing. Allele origin: germline. Affected: yes. Study: VKGL Data-share Consensus. Not counted in ClinVar's aggregate classification.

Diagnostic Laboratory, Department of Genetics, University Medical Center Groningen
Classification: Benign for Congenital contractural arachnodactyly. Review status: no assertion criteria provided. Collection method: clinical testing. Allele origin: germline. Affected: yes. Study: VKGL Data-share Consensus. Not counted in ClinVar's aggregate classification.

Literature cited by the submitters: PubMed 17935258 (cited by Women's Health and Genetics/Laboratory Corporation of America, LabCorp); PubMed 17345643 (cited by Women's Health and Genetics/Laboratory Corporation of America, LabCorp).

NM_001999.4(FBN2):c.6880+17G>A

Gene: FBN2 (fibrillin 2; minus strand). Cytogenetic location: 5q23.3.
Variant type: single nucleotide variant.
Coding change: c.6880+17G>A on transcript NM_001999.4 (MANE Select); 17 bases into the intron after coding-DNA position 6880, G replaced by A.
Molecular consequence: intron variant.
Genome position (GRCh38, 1-based): chr5:128,287,291, C>T on the plus strand (G>A on the coding strand, the complement: FBN2 is on the minus strand). VCF-style: chr5-128287291-C-T. GRCh37 (hg19) VCF-style: chr5-127622983-C-T.
Identifiers: ClinVar variation 137347 (VCV000137347.29), dbSNP rs2042327, ClinGen allele CA290890.